The following is an entry in ClinVar:

NM_001482.3(GATM):c.913_918del (p.Asp305_Ala306del)

Gene: GATM (glycine amidinotransferase; minus strand). Cytogenetic location: 15q21.1.
Variant type: Deletion.
Coding change: c.913_918del on transcript NM_001482.3 (MANE Select); coding-DNA positions 913 to 918, 6 bases deleted (GATGCT; older notation c.913_918delGATGCT).
Protein change: p.Asp305_Ala306del.
Molecular consequence: inframe deletion.
Genome position (GRCh38, 1-based): chr15:45,366,106-45,366,111, AGCATC deleted on the plus strand (GATGCT on the coding strand, the reverse complement: GATM is on the minus strand); deleting any 6 consecutive bases within chr15:45,366,106-45,366,112 gives the same sequence; the c. name uses the placement nearest the transcript's 3' end. VCF-style (leftmost placement, unchanged base first): chr15-45366105-TAGCATC-T. GRCh37 (hg19) VCF-style: chr15-45658303-TAGCATC-T.
Other names: c.526_531del, p.Asp176_Ala177del (NM_001321015.2).
Identifiers: ClinVar variation 837593 (VCV000837593.9), dbSNP rs1889444227, ClinGen allele CA916083424.
Genomic context (GRCh38, chr15:45,366,105, plus strand): 5'-CCTGGTGACATGGTCGGTCAGGGTTGGAAAGCACAATACCAGGTCCAATGATGTTGAAGG[TAGCATC>T]AATATGCATGGGATTGGGATCTTTAAAGGAGATGATATGCACTCTGTAGTCTGGAGCAAG-3'

ClinVar aggregate classification (germline): Uncertain significance (1 of 4 stars; one submission).

Conditions:
Arginine:glycine amidinotransferase deficiency (CCDS3). Also called: AGAT deficiency; Creatine deficiency syndrome due to AGAT deficiency; GATM deficiency; L-Arginine:Glycine Amidinotransferase (AGAT) Deficiency; Cerebral creatine deficiency syndrome 3; L-Arginine:Glycine Amidinotransferase Deficiency. Identifiers: Orphanet 35704, MedGen C2675179, MONDO:0012996, OMIM 612718.

Submission:

Labcorp Genetics (formerly Invitae), Labcorp
Classification: Uncertain significance for Arginine:glycine amidinotransferase deficiency. Last evaluated: 2019-11-20. Review status: criteria provided, single submitter. Criteria: Invitae Variant Classification Sherloc (09022015). Collection method: clinical testing. Allele origin: germline.
Comment: In summary, the available evidence is currently insufficient to determine the role of this variant in disease. Therefore, it has been classified as a Variant of Uncertain Significance. Experimental studies and prediction algorithms are not available or were not evaluated, and the functional significance of this variant is currently unknown. This variant has not been reported in the literature in individuals with GATM-related conditions. This variant is not present in population databases (ExAC no frequency). This variant, c.913_918del, results in the deletion of 2 amino acid(s) of the GATM protein (p.Asp305_Ala306del), but otherwise preserves the integrity of the reading frame.